The following is an entry in ClinVar:

ClinVar aggregate classification (germline): Uncertain significance (1 of 4 stars; one submission).

Conditions:
Hereditary cancer-predisposing syndrome. Also called: Tumor predisposition; Hereditary neoplastic syndrome; Hereditary Cancer Syndrome; Neoplastic Syndromes, Hereditary. Identifiers: Orphanet 140162, MedGen C0027672, MeSH D009386, MONDO:0015356.

Submission:

Ambry Genetics
Classification: Uncertain significance for Hereditary cancer-predisposing syndrome. Last evaluated: 2025-06-09. Review status: criteria provided, single submitter. Criteria: Ambry Variant Classification Scheme 2023. Collection method: clinical testing. Allele origin: germline.
Comment: The p.I1672L variant (also known as c.5014A>C), located in coding exon 38 of the TSC2 gene, results from an A to C substitution at nucleotide position 5014. The isoleucine at codon 1672 is replaced by leucine, an amino acid with highly similar properties. This amino acid position is conserved. In addition, the in silico prediction for this alteration is inconclusive. Based on the available evidence, the clinical significance of this variant remains unclear.

NM_000548.5(TSC2):c.5014A>C (p.Ile1672Leu)

Gene: TSC2 (TSC complex subunit 2; plus strand). Cytogenetic location: 16p13.3.
Variant type: single nucleotide variant.
Coding change: c.5014A>C on transcript NM_000548.5 (MANE Select); coding-DNA position 5014, A replaced by C.
Protein change: p.Ile1672Leu; replaces isoleucine 1672 with leucine.
Molecular consequence: missense variant. On other transcripts: non-coding transcript variant (5).
Genome position (GRCh38, 1-based): chr16:2,087,887, A>C. VCF-style: chr16-2087887-A-C. GRCh37 (hg19) VCF-style: chr16-2137888-A-C.
Other names: c.4813A>C, p.Ile1605Leu (NM_001077183.3); c.4945A>C, p.Ile1649Leu (NM_001114382.3); c.4705A>C, p.Ile1569Leu (NM_001318827.2); c.4669A>C, p.Ile1557Leu (NM_001318829.2); c.4282A>C, p.Ile1428Leu (NM_001318831.2); c.4846A>C, p.Ile1616Leu (NM_001318832.2); c.4816A>C, p.Ile1606Leu (NM_001363528.2); c.4882A>C, p.Ile1628Leu (NM_001370404.1); and 26 more; short protein forms I1071L, I1448L, I1452L, I1556L, I1557L, I1569L, I1201L, I1568L.
Identifiers: ClinVar variation 3974703 (VCV003974703.1).